The following is an entry in ClinVar:

ClinVar aggregate classification (germline): Uncertain significance. Review status: criteria provided, multiple submitters, no conflicts (2 of 4 stars). 5 submissions from 5 submitters: Uncertain significance (5). Last evaluated 2025-12-02.

Conditions:
Cardiovascular phenotype. Identifiers: MedGen CN230736.
RASopathy. Also called: Noonan spectrum disorder; rasopathies. Identifiers: Orphanet 536391, MedGen C5555857, MONDO:0021060.
Noonan syndrome 5 (NS5). Also called: RAF1-Related Noonan Syndrome. Identifiers: Orphanet 648, MedGen C1969057, MONDO:0012690, OMIM 611553. Disease mechanism: gain of function.

Allele frequency attached by ClinVar (database versions not stated): gnomAD 0.00002 and 0.00001; TOPMed 0.00002; gnomAD exomes below 0.00001; ExAC 0.00001.
gnomAD v4.1: 4 of 1,614,016 alleles (0.00025%); highest among the groups gnomAD compares: African/African-American, 0.004%; no homozygotes.

Submissions (5):

Labcorp Genetics (formerly Invitae), Labcorp
Classification: Uncertain significance for RASopathy. Last evaluated: 2025-12-02. Review status: criteria provided, single submitter. Criteria: Invitae Variant Classification Sherloc (09022015). Collection method: clinical testing. Allele origin: germline.
Comment: This sequence change replaces aspartic acid, which is acidic and polar, with glutamic acid, which is acidic and polar, at codon 273 of the RAF1 protein (p.Asp273Glu). This variant is present in population databases (rs771675427, gnomAD 0.008%). This variant has not been reported in the literature in individuals affected with RAF1-related conditions. ClinVar contains an entry for this variant (Variation ID: 496190). Invitae Evidence Modeling of protein sequence and biophysical properties (such as structural, functional, and spatial information, amino acid conservation, physicochemical variation, residue mobility, and thermodynamic stability) has been performed for this missense variant. However, the output from this modeling did not meet the statistical confidence thresholds required to predict the impact of this variant on RAF1 protein function. In summary, the available evidence is currently insufficient to determine the role of this variant in disease. Therefore, it has been classified as a Variant of Uncertain Significance.

Ambry Genetics
Classification: Uncertain significance for Cardiovascular phenotype. Last evaluated: 2025-07-31. Review status: criteria provided, single submitter. Criteria: Ambry Variant Classification Scheme 2023. Collection method: clinical testing. Allele origin: germline.

Revvity Omics, Revvity
Classification: Uncertain significance. Last evaluated: 2024-11-18. Review status: criteria provided, single submitter. Criteria: ACMG Guidelines, 2015. Collection method: clinical testing. Allele origin: germline.

Servicio de Genética Del Instituto Nacional de Salud Del Niño, Ministerio de Salud
Classification: Uncertain significance for Noonan syndrome 5. Last evaluated: 2024-11-18. Review status: criteria provided, single submitter. Criteria: ACMG Guidelines, 2015. Collection method: clinical testing. Allele origin: germline. Inheritance: Autosomal dominant inheritance.
Comment: The variant NM_001354690.3:c.819C>G, p.Asp273Glu results in the substitution of aspartic acid with glutamic acid at position 273 in the protein. Both aspartic acid and glutamic acid are negatively charged amino acids, and this substitution may not significantly affect the protein's charge or structure. However, the variant is absent from population databases (PM2), and the position is located in a critical region of the protein (PM1), suggesting the potential for functional impact. Based on these factors, this variant is classified as uncertain significance.

Women's Health and Genetics/Laboratory Corporation of America, LabCorp
Classification: Uncertain significance. Last evaluated: 2020-12-30. Review status: criteria provided, single submitter. Criteria: LabCorp Variant Classification Summary - May 2015. Collection method: clinical testing. Allele origin: germline.
Comment: Variant summary: RAF1 c.819C>G (p.Asp273Glu) results in a conservative amino acid change in the encoded protein sequence. Four of five in-silico tools predict a benign effect of the variant on protein function. The variant allele was found at a frequency of 4e-06 in 251456 control chromosomes (gnomAD). The available data on variant occurrences in the general population are insufficient to allow any conclusion about variant significance. To our knowledge, no occurrence of c.819C>G in individuals affected with Noonan Syndrome and Related Conditions and no experimental evidence demonstrating its impact on protein function have been reported. No clinical diagnostic laboratories have submitted clinical-significance assessments for this variant to ClinVar after 2014. Based on the evidence outlined above, the variant was classified as uncertain significance.

NM_002880.4(RAF1):c.819C>G (p.Asp273Glu)

Gene: RAF1 (Raf-1 proto-oncogene, serine/threonine kinase; minus strand). Cytogenetic location: 3p25.2.
Variant type: single nucleotide variant.
Coding change: c.819C>G on transcript NM_002880.4 (MANE Select); coding-DNA position 819, C replaced by G.
Protein change: p.Asp273Glu; replaces aspartic acid 273 with glutamic acid.
Molecular consequence: missense variant. On other transcripts: non-coding transcript variant (3).
Genome position (GRCh38, 1-based): chr3:12,604,151, G>C on the plus strand (C>G on the coding strand, the complement: RAF1 is on the minus strand). VCF-style: chr3-12604151-G-C. GRCh37 (hg19) VCF-style: chr3-12645650-G-C.
Other names: c.819C>G, p.Asp273Glu (NM_001354689.3, NM_001354690.3); c.576C>G, p.Asp192Glu (NM_001354691.3, NM_001354692.3, NM_001354694.3); c.720C>G, p.Asp240Glu (NM_001354693.3); c.477C>G, p.Asp159Glu (NM_001354695.3); short protein forms D273E, D159E, D192E, D240E.
Identifiers: ClinVar variation 496190 (VCV000496190.15), dbSNP rs771675427, ClinGen allele CA2259695.